The following is an entry in ClinVar:

NM_005045.4(RELN):c.8728G>C (p.Glu2910Gln)

Genes: RELN (reelin; minus strand), SLC26A5-AS1 (SLC26A5 antisense RNA 1; plus strand). Cytogenetic location: 7q22.1.
Variant type: single nucleotide variant.
Coding change: c.8728G>C on transcript NM_005045.4 (MANE Select); coding-DNA position 8728, G replaced by C.
Protein change: p.Glu2910Gln; replaces glutamic acid 2910 with glutamine.
Molecular consequence: missense variant.
Genome position (GRCh38, 1-based): chr7:103,498,192, C>G on the plus strand (G>C on the coding strand, the complement: RELN is on the minus strand). VCF-style: chr7-103498192-C-G. GRCh37 (hg19) VCF-style: chr7-103138639-C-G.
Other names: c.8728G>C, p.Glu2910Gln (NM_173054.3); short protein forms E2910Q.
Identifiers: ClinVar variation 1691069 (VCV001691069.2), dbSNP rs1482050696, ClinGen allele CA368753535.
Genomic context (GRCh38, chr7:103,498,192, plus strand): 5'-CAAAATAGAGTGCAGTGTCCTCGGCAAGAATTCCACACTCAGTGCAAGTACTTCCACCTT[C>G]TAAGGACATCCATAAGTCAGGTTTGATTTCTTCACTGTCAAAGCGTTCCTTCAGGAAAGT-3'
Protein context (NP_005036.2, residues 2900-2920): EIKPDLWMSL[Glu2910Gln]GGSTCTECGI

ClinVar aggregate classification (germline): Uncertain significance (1 of 4 stars; one submission).

Allele frequency attached by ClinVar (database versions not stated): gnomAD exomes below 0.00001.
gnomAD v4.1: 3 of 1,614,050 alleles (0.00019%); highest among the groups gnomAD compares: Non-Finnish European, 0.00017%; no homozygotes.

Submission:

Laboratorio de Genetica e Diagnostico Molecular, Hospital Israelita Albert Einstein
Classification: Uncertain significance. Last evaluated: 2019-06-17. Review status: criteria provided, single submitter. Criteria: ACMG Guidelines, 2015. Collection method: clinical testing. Allele origin: germline. Affected: yes.
Comment: ACMG classification criteria: PM1, PM2, PP3